The following is an entry in ClinVar:

ClinVar aggregate classification (germline): Pathogenic (1 of 4 stars; one submission).

Conditions:
Pendred syndrome (PDS). Also called: Pendred Syndrome (PDS); DEAFNESS WITH GOITER; GOITER-DEAFNESS SYNDROME; HYPOTHYROIDISM, CONGENITAL, DUE TO DYSHORMONOGENESIS, 2B; THYROID DYSHORMONOGENESIS 2B; THYROID HORMONOGENESIS, GENETIC DEFECT IN, 2B. Identifiers: Orphanet 705, MedGen C0271829, MONDO:0010134, OMIM 274600.

Submission:

Myriad Genetics, Inc.
Classification: Pathogenic for Pendred syndrome. Last evaluated: 2024-02-04. Review status: criteria provided, single submitter. Criteria: Myriad Autosomal Dominant, Autosomal Recessive and X-Linked Classification Criteria (2023). Collection method: clinical testing. Allele origin: unknown.
Comment: NM_000441.1(SLC26A4):c.1502delG(G501Afs*7) is expected to be pathogenic in the context of Pendred syndrome. This variant is predicted to lead to an abnormal or absent protein product due to the creation of a premature termination codon in SLC26A4, a gene where loss-of-function variants are known to be pathogenic. Please note: this variant was assessed in the context of healthy population screening.

NM_000441.2(SLC26A4):c.1502del (p.Gly501fs)

Gene: SLC26A4 (solute carrier family 26 member 4; plus strand). Cytogenetic location: 7q22.3.
Variant type: Deletion.
Coding change: c.1502del on transcript NM_000441.2 (MANE Select); coding-DNA position 1502, one base deleted (G; older notation c.1502delG).
Protein change: p.Gly501fs; shifts the reading frame from glycine 501.
Molecular consequence: frameshift variant.
Genome position (GRCh38, 1-based): chr7:107,695,997, G deleted; the last of 2 consecutive G bases (chr7:107,695,996-107,695,997); deleting either gives the same sequence. VCF-style (leftmost placement, unchanged base first): chr7-107695995-TG-T. GRCh37 (hg19) VCF-style: chr7-107336440-TG-T.
Other names: short protein forms G501fs.
Identifiers: ClinVar variation 5012710 (VCV005012710.1).